The following is an entry in ClinVar:

NM_003482.4(KMT2D):c.378T>C (p.Pro126=)

Gene: KMT2D (lysine methyltransferase 2D; minus strand). Cytogenetic location: 12q13.12.
Variant type: single nucleotide variant.
Coding change: c.378T>C on transcript NM_003482.4 (MANE Select); coding-DNA position 378, T replaced by C.
Protein change: p.Pro126=; no amino-acid change (proline 126 retained).
Molecular consequence: synonymous variant.
Genome position (GRCh38, 1-based): chr12:49,054,550, A>G on the plus strand (T>C on the coding strand, the complement: KMT2D is on the minus strand). VCF-style: chr12-49054550-A-G. GRCh37 (hg19) VCF-style: chr12-49448333-A-G.
Identifiers: ClinVar variation 2079691 (VCV002079691.6), dbSNP rs962424431, ClinGen allele CA236623850.
Genomic context (GRCh38, chr12:49,054,550, plus strand): 5'-GCCCTTATCCCATTTCCTGCCCCATTCTCCTCACTCACCTCCAGGTTCTCCTAGGTGGGC[A>G]GGTGTAAGGCCCTCAGGGAAACCAATCTGTGATAGGTCCTCACTGGGCAGCACTGCCTCA-3'
Protein context (NP_003473.3, residues 116-136): SQIGFPEGLT[Pro126=]AHLGEPGGSC

ClinVar aggregate classification (germline): Likely benign. Review status: criteria provided, single submitter (1 of 4 stars). 2 submissions from 2 submitters: Likely benign (1). 1 of the submissions does not count toward it. Last evaluated 2025-08-29.

Conditions:
Kabuki syndrome. Also called: NIIKAWA-KUROKI SYNDROME; Kabuki make-up syndrome. Identifiers: Orphanet 2322, MedGen C0796004, MONDO:0016512.
KMT2D-related disorder. Also called: KMT2D-Related Disorders.

Allele frequency attached by ClinVar (database versions not stated): gnomAD exomes below 0.00001; TOPMed below 0.00001; gnomAD 0.00001.

Submissions (2):

Labcorp Genetics (formerly Invitae), Labcorp
Classification: Likely benign for Kabuki syndrome. Last evaluated: 2025-08-29. Review status: criteria provided, single submitter. Criteria: Invitae Variant Classification Sherloc (09022015). Collection method: clinical testing. Allele origin: germline.

PreventionGenetics, part of Exact Sciences
Classification: Likely benign for KMT2D-related condition. Last evaluated: 2024-01-02. Review status: no assertion criteria provided. Collection method: clinical testing. Allele origin: germline. Not counted in ClinVar's aggregate classification.
Comment: This variant is classified as likely benign based on ACMG/AMP sequence variant interpretation guidelines (Richards et al. 2015 PMID: 25741868, with internal and published modifications).